The following is an entry in ClinVar:

ClinVar aggregate classification (germline): Uncertain significance (1 of 4 stars; one submission).

Conditions:
Inborn genetic diseases. Identifiers: MedGen C0950123, MeSH D030342.

Submission:

Ambry Genetics
Classification: Uncertain significance for Inborn genetic diseases. Last evaluated: 2026-07-22. Review status: criteria provided, single submitter. Criteria: Ambry Variant Classification Scheme 2023. Collection method: clinical testing. Allele origin: germline.
Comment: The p.R199I variant (also known as c.596G>T), located in coding exon 5 of the PAX5 gene, results from a G to T substitution at nucleotide position 596. The arginine at codon 199 is replaced by isoleucine, an amino acid with similar properties. This amino acid position is conserved. In addition, this alteration is predicted to be deleterious by in silico analysis. Based on the available evidence, the clinical significance of this variant remains unclear.

NM_016734.3(PAX5):c.596G>T (p.Arg199Ile)

Genes: PAX5 (paired box 5; minus strand), LOC105376032 (uncharacterized LOC105376032; plus strand). Cytogenetic location: 9p13.2.
Variant type: single nucleotide variant.
Coding change: c.596G>T on transcript NM_016734.3 (MANE Select); coding-DNA position 596, G replaced by T.
Protein change: p.Arg199Ile; replaces arginine 199 with isoleucine.
Molecular consequence: missense variant. On other transcripts: non-coding transcript variant (2), intron variant (2).
Genome position (GRCh38, 1-based): chr9:37,002,656, C>A on the plus strand (G>T on the coding strand, the complement: PAX5 is on the minus strand). VCF-style: chr9-37002656-C-A. GRCh37 (hg19) VCF-style: chr9-37002653-C-A.
Other names: c.596G>T, p.Arg199Ile (NM_001280547.2, NM_001280548.2, NM_001280549.2 and 2 more transcripts); c.272G>T, p.Arg91Ile (NM_001280551.2, NM_001280556.2); c.398G>T, p.Arg133Ile (NM_001280555.2); c.475+3817G>T (NM_001280553.2, NM_001280554.2); short protein forms R133I, R91I, R199I.
Identifiers: ClinVar variation 5026302 (VCV005026302.1).